The following is an entry in ClinVar:

ClinVar aggregate classification (germline): Conflicting classifications of pathogenicity. Review status: criteria provided, conflicting classifications (1 of 4 stars). 8 submissions from 7 submitters: Uncertain significance (4); Benign (1). 3 of the submissions do not count toward it. Last evaluated 2026-06-11.

Conditions:
Adams-Oliver syndrome 5 (AOS5). Identifiers: Orphanet 974, MedGen C4014970, MONDO:0014459, OMIM 616028.
Familial thoracic aortic aneurysm and aortic dissection (TAAD). Also called: Thoracic aortic aneurysms and dissections. Identifiers: Orphanet 91387, MedGen C4707243, MONDO:0019625.
Aortic valve disease 1 (AOVD1). Identifiers: MedGen C3887892, MONDO:0024523, OMIM 109730.

Allele frequency attached by ClinVar (database versions not stated): gnomAD 0.00003; gnomAD exomes 0.00004 and 0.00007; TOPMed 0.00001; ExAC 0.00003.
gnomAD v4.1: 102 of 1,612,690 alleles (0.0063%); highest among the groups gnomAD compares: Non-Finnish European, 0.0081%; no homozygotes.

Submissions (8):

Ambry Genetics
Classification: Uncertain significance for Familial thoracic aortic aneurysm and aortic dissection. Last evaluated: 2026-06-11. Review status: criteria provided, single submitter. Criteria: Ambry Variant Classification Scheme 2023. Collection method: clinical testing. Allele origin: germline.

Labcorp Genetics (formerly Invitae), Labcorp
Classification: Benign for Adams-Oliver syndrome 5. Last evaluated: 2025-04-28. Review status: criteria provided, single submitter. Criteria: Invitae Variant Classification Sherloc (09022015). Collection method: clinical testing. Allele origin: germline.

Genome-Nilou Lab
Classification: Uncertain significance for Adams-Oliver syndrome 5. Last evaluated: 2022-03-15. Review status: criteria provided, single submitter. Criteria: ACMG Guidelines, 2015. Collection method: clinical testing. Allele origin: germline. Affected: no.

Genome-Nilou Lab
Classification: Uncertain significance for Aortic valve disease 1. Last evaluated: 2022-03-15. Review status: criteria provided, single submitter. Criteria: ACMG Guidelines, 2015. Collection method: clinical testing. Allele origin: germline. Affected: no.

GeneDx
Classification: Uncertain significance. Last evaluated: 2021-06-17. Review status: criteria provided, single submitter. Criteria: GeneDx Variant Classification Process June 2021. Collection method: clinical testing. Allele origin: germline. Affected: yes.
Comment: Has not been previously published as pathogenic or benign to our knowledge; In silico analysis supports that this missense variant has a deleterious effect on protein structure/function; Reported in ClinVar as a variant of uncertain significance (ClinVar Variant ID# 834677; Landrum et al., 2016); This variant is associated with the following publications: (PMID: 27535533, 26820064)

Diagnostic Laboratory, Department of Genetics, University Medical Center Groningen
Classification: Uncertain significance. Review status: no assertion criteria provided. Collection method: clinical testing. Allele origin: germline. Affected: yes. Study: VKGL Data-share Consensus. Not counted in ClinVar's aggregate classification.

Genome Diagnostics Laboratory, Amsterdam University Medical Center
Classification: Uncertain significance. Review status: no assertion criteria provided. Collection method: clinical testing. Allele origin: germline. Affected: yes. Study: VKGL Data-share Consensus. Not counted in ClinVar's aggregate classification.

Genome Diagnostics Laboratory, University Medical Center Utrecht
Classification: Uncertain significance. Review status: no assertion criteria provided. Collection method: clinical testing. Allele origin: germline. Affected: yes. Study: VKGL Data-share Consensus. Not counted in ClinVar's aggregate classification.

NM_017617.5(NOTCH1):c.2003C>T (p.Pro668Leu)

Gene: NOTCH1 (notch receptor 1; minus strand). Cytogenetic location: 9q34.3.
Variant type: single nucleotide variant.
Coding change: c.2003C>T on transcript NM_017617.5 (MANE Select); coding-DNA position 2003, C replaced by T.
Protein change: p.Pro668Leu; replaces proline 668 with leucine.
Molecular consequence: missense variant.
Genome position (GRCh38, 1-based): chr9:136,515,301, G>A on the plus strand (C>T on the coding strand, the complement: NOTCH1 is on the minus strand). VCF-style: chr9-136515301-G-A. GRCh37 (hg19) VCF-style: chr9-139409753-G-A.
Other names: short protein forms P668L.
Identifiers: ClinVar variation 834677 (VCV000834677.18), dbSNP rs576030298, ClinGen allele CA5341542.